The following is an entry in ClinVar:

NM_000094.4(COL7A1):c.887del (p.Gly296fs)

Gene: COL7A1 (collagen type VII alpha 1 chain; minus strand). Cytogenetic location: 3p21.31.
Variant type: Deletion.
Coding change: c.887del on transcript NM_000094.4 (MANE Select); coding-DNA position 887, one base deleted (G; older notation c.887delG).
Protein change: p.Gly296fs; shifts the reading frame from glycine 296.
Molecular consequence: frameshift variant.
Genome position (GRCh38, 1-based): chr3:48,592,659, C deleted on the plus strand (G on the coding strand, the reverse complement: COL7A1 is on the minus strand); the first of 4 consecutive C bases (chr3:48,592,659-48,592,662); deleting any one gives the same sequence. VCF-style (leftmost placement, unchanged base first): chr3-48592658-AC-A. GRCh37 (hg19) VCF-style: chr3-48630091-AC-A.
Other names: c.887delG (NM_000094.3, NM_000094.4); short protein forms G296fs.
Identifiers: ClinVar variation 429443 (VCV000429443.11), dbSNP rs1131691385, ClinGen allele CA645369335.

ClinVar aggregate classification (germline): Pathogenic. Review status: criteria provided, multiple submitters, no conflicts (2 of 4 stars). 5 submissions from 5 submitters: Pathogenic (4). 1 of the submissions does not count toward it. Last evaluated 2026-01-03.

Conditions:
Epidermolysis bullosa dystrophica. Also called: Dystrophic epidermolysis bullosa, Hallopeau-Siemens type (formerly); Dystrophic epidermolysis bullosa. Identifiers: Orphanet 303, MedGen C0079294, MONDO:0006543.
Epidermolysis bullosa dystrophica inversa, autosomal recessive. Identifiers: MedGen C2673612.
Recessive dystrophic epidermolysis bullosa (RDEB). Also called: DYSTROPHIC EPIDERMOLYSIS BULLOSA, AUTOSOMAL RECESSIVE; EPIDERMOLYSIS BULLOSA DYSTROPHICA, HALLOPEAU-SIEMENS TYPE; Recessive DEB (RDEB); EPIDERMOLYSIS BULLOSA DYSTROPHICA, GENERALIZED SEVERE, AUTOSOMAL RECESSIVE; Epidermolysis Bullosa Distrophica Autosomal Recessive (RDEB); epidermolysis bullosa dystrophica, autosomal recessive. Identifiers: Orphanet 79408, Orphanet 79409, MedGen C0079474, MONDO:0009179, OMIM 226600.

Submissions (5):

Labcorp Genetics (formerly Invitae), Labcorp
Classification: Pathogenic. Last evaluated: 2026-01-03. Review status: criteria provided, single submitter. Criteria: Invitae Variant Classification Sherloc (09022015). Collection method: clinical testing. Allele origin: germline.
Comment: This sequence change creates a premature translational stop signal (p.Gly296Valfs*5) in the COL7A1 gene. It is expected to result in an absent or disrupted protein product. Loss-of-function variants in COL7A1 are known to be pathogenic (PMID: 16971478). This variant is not present in population databases (gnomAD no frequency). This premature translational stop signal has been observed in individual(s) with dystrophic epidermolysis bullosa (PMID: 8900535, 31001817). This variant is also known as 884delG. ClinVar contains an entry for this variant (Variation ID: 429443). For these reasons, this variant has been classified as Pathogenic.

Myriad Genetics, Inc.
Classification: Pathogenic for Recessive dystrophic epidermolysis bullosa. Last evaluated: 2024-08-20. Review status: criteria provided, single submitter. Criteria: Myriad Autosomal Dominant, Autosomal Recessive and X-Linked Classification Criteria (2023). Collection method: clinical testing. Allele origin: unknown.
Comment: NM_000094.3(COL7A1):c.887delG(G296Vfs*5) is expected to be pathogenic in the context of dystrophic epidermolysis bullosa. This variant is predicted to lead to an abnormal or absent protein product due to the creation of a premature termination codon in COL7A1, a gene where loss-of-function variants are known to be pathogenic. Please note: this variant was assessed in the context of healthy population screening.

GeneDx
Classification: Pathogenic. Last evaluated: 2020-10-02. Review status: criteria provided, single submitter. Criteria: GeneDx Variant Classification Process June 2021. Collection method: clinical testing. Allele origin: germline. Affected: yes.
Comment: Reported previously in association with RDEB (Christiano et al., 1996; Mariath et al., 2019); Frameshift variant predicted to result in protein truncation or nonsense mediated decay in a gene for which loss-of-function is a known mechanism of disease; Not observed in large population cohorts (Lek et al., 2016); This variant is associated with the following publications: (PMID: 31001817, 8900535)

Biomedical Innovation Departament, CIEMAT
Classification: Pathogenic for Dystrophic epidermolysis bullosa. Last evaluated: 2018-10-19. Review status: criteria provided, single submitter. Criteria: ACMG Guidelines, 2015. Collection method: research. Allele origin: germline. Affected: yes. Observed: 4 variant alleles.

Natera, Inc.
Classification: Pathogenic for Autosomal recessive epidermolysis bullosa dystrophica inversa. Last evaluated: 2020-09-16. Review status: no assertion criteria provided. Collection method: clinical testing. Allele origin: germline. Not counted in ClinVar's aggregate classification.

Literature cited by the submitters: PubMed 16971478 (cited by Labcorp Genetics (formerly Invitae), Labcorp); PubMed 8900535 (cited by Labcorp Genetics (formerly Invitae), Labcorp and Biomedical Innovation Departament, CIEMAT); PubMed 31001817 (cited by Labcorp Genetics (formerly Invitae), Labcorp).